The following is an entry in ClinVar:

NM_001130105.1(CERT1):c.36T>C (p.Pro12=)

Genes: CERT1 (ceramide transporter 1; minus strand), POLK (DNA polymerase kappa; plus strand), LOC129994075 (ATAC-STARR-seq lymphoblastoid active region 22681; plus strand). Cytogenetic location: 5q13.3.
Variant type: single nucleotide variant.
Coding change: c.36T>C on transcript NM_001130105.1; coding-DNA position 36, T replaced by C.
Protein change: p.Pro12=; no amino-acid change (proline 12 retained).
Molecular consequence: synonymous variant.
Genome position (GRCh38, 1-based): chr5:75,511,809, A>G on the plus strand (T>C on the coding strand, the complement: CERT1 is on the minus strand). VCF-style: chr5-75511809-A-G. GRCh37 (hg19) VCF-style: chr5-74807634-A-G.
Other names: c.-119A>G (NM_016218.3).
Identifiers: ClinVar variation 3772190 (VCV003772190.13).

ClinVar aggregate classification (germline): Likely benign (1 of 4 stars; one submission).

Submission:

CeGaT Center for Human Genetics Tuebingen
Classification: Likely benign. Last evaluated: 2025-01-01. Review status: criteria provided, single submitter. Criteria: CeGaT Center For Human Genetics Tuebingen Variant Classification Criteria Version 2. Collection method: clinical testing. Allele origin: germline. Affected: yes. Observed: 1 variant allele.
Comment: CERT1: PM2:Supporting, BP4, BP7